The following is an entry in ClinVar:

NM_000257.4(MYH7):c.835G>A (p.Ala279Thr)

Gene: MYH7 (myosin heavy chain 7; minus strand). Cytogenetic location: 14q11.2.
Variant type: single nucleotide variant.
Coding change: c.835G>A on transcript NM_000257.4 (MANE Select); coding-DNA position 835, G replaced by A.
Protein change: p.Ala279Thr; replaces alanine 279 with threonine.
Molecular consequence: missense variant.
Genome position (GRCh38, 1-based): chr14:23,430,961, C>T on the plus strand (G>A on the coding strand, the complement: MYH7 is on the minus strand). VCF-style: chr14-23430961-C-T. GRCh37 (hg19) VCF-style: chr14-23900170-C-T.
Other names: short protein forms A279T.
Identifiers: ClinVar variation 43108 (VCV000043108.8), dbSNP rs397516270, ClinGen allele CA016872.

ClinVar aggregate classification (germline): Uncertain significance. Review status: criteria provided, multiple submitters, no conflicts (2 of 4 stars). 2 submissions from 2 submitters: Uncertain significance (2). Last evaluated 2025-01-12.

Conditions:
Hypertrophic cardiomyopathy. Also called: HYPERTROPHIC MYOCARDIOPATHY. Identifiers: Orphanet 217569, MedGen C0007194, MeSH D002312, MONDO:0005045, HP:0001639.

Submissions (2):

Labcorp Genetics (formerly Invitae), Labcorp
Classification: Uncertain significance for Hypertrophic cardiomyopathy. Last evaluated: 2025-01-12. Review status: criteria provided, single submitter. Criteria: Invitae Variant Classification Sherloc (09022015). Collection method: clinical testing. Allele origin: germline.
Comment: This sequence change replaces alanine, which is neutral and non-polar, with threonine, which is neutral and polar, at codon 279 of the MYH7 protein (p.Ala279Thr). This variant is not present in population databases (gnomAD no frequency). This missense change has been observed in individual(s) with clinical features of hereditary dilated cardiomyopathy (PMID: 24503780, 27532257, 37652022). ClinVar contains an entry for this variant (Variation ID: 43108). Invitae Evidence Modeling of protein sequence and biophysical properties (such as structural, functional, and spatial information, amino acid conservation, physicochemical variation, residue mobility, and thermodynamic stability) indicates that this missense variant is expected to disrupt MYH7 protein function with a positive predictive value of 95%. In summary, the available evidence is currently insufficient to determine the role of this variant in disease. Therefore, it has been classified as a Variant of Uncertain Significance.

Laboratory for Molecular Medicine, Mass General Brigham Personalized Medicine
Classification: Uncertain significance. Last evaluated: 2019-08-15. Review status: criteria provided, single submitter. Criteria: LMM Criteria. Collection method: clinical testing. Allele origin: germline. Observed: 5 variant alleles.
Comment: Variant classified as Uncertain Significance - Favor Pathogenic. The p.Ala279Thr variant in MYH7 has been in 1 individual with DCM and segregated with disease in 4 affected family members (LMM data, Pugh 2014, Walsh 2017). It was absent from large population studies. Computational prediction tools and conservation analyses do not provide strong support for or against an impact to the protein. Of note, this variant lies in the head region of the protein and missense variants in this region are statistically more likely to be disease-associated (Walsh 2017). In summary, while there is some suspicion for a pathogenic role, the clinical significance of this variant is uncertain. ACMG/AMP Criteria applied: PM1, PM2, PP1.

Literature cited by the submitters: PubMed 24503780 (cited by Labcorp Genetics (formerly Invitae), Labcorp and Laboratory for Molecular Medicine, Mass General Brigham Personalized Medicine); PubMed 27532257 (cited by Labcorp Genetics (formerly Invitae), Labcorp and Laboratory for Molecular Medicine, Mass General Brigham Personalized Medicine); PubMed 37652022 (cited by Labcorp Genetics (formerly Invitae), Labcorp).